The following is an entry in ClinVar:

NM_001024630.4(RUNX2):c.357del (p.Asn120fs)

Gene: RUNX2 (RUNX family transcription factor 2; plus strand). Cytogenetic location: 6p21.1.
Variant type: Deletion.
Coding change: c.357del on transcript NM_001024630.4 (MANE Select); coding-DNA position 357, one base deleted (C; older notation c.357delC).
Protein change: p.Asn120fs; shifts the reading frame from asparagine 120.
Molecular consequence: frameshift variant.
Genome position (GRCh38, 1-based): chr6:45,422,891, C deleted; the last of 4 consecutive C bases (chr6:45,422,888-45,422,891); deleting any one gives the same sequence. VCF-style (leftmost placement, unchanged base first): chr6-45422887-GC-G. GRCh37 (hg19) VCF-style: chr6-45390624-GC-G.
Other names: c.357del, p.Asn120fs (NM_001015051.4); c.315del, p.Asn106fs (NM_001278478.2, NM_001369405.1); short protein forms N106fs, N120fs.
Identifiers: ClinVar variation 4854348 (VCV004854348.1).

ClinVar aggregate classification (germline): Likely pathogenic (1 of 4 stars; one submission).

Conditions:
Cleidocranial dysostosis (CLCD1). Also called: Cleidocranial Dysplasia Spectrum Disorder; cleidocranial dysplasia 1; Marie-Sainton disease. Identifiers: Orphanet 1452, MedGen C0008928, MONDO:0007340, OMIM 119600.

Submission:

3billion
Classification: Likely pathogenic for Cleidocranial dysostosis. Last evaluated: 2025-09-28. Review status: criteria provided, single submitter. Criteria: ACMG Guidelines, 2015. Collection method: clinical testing. Allele origin: germline. Affected: yes.
Comment: The variant is not observed in the gnomAD v4.1.0 dataset. Predicted Consequence/Location: Frameshift: predicted to result in a loss or disruption of normal protein function through nonsense-mediated decay (NMD) or protein truncation. Multiple pathogenic variants are reported downstream of the variant. Therefore, this variant is classified as Likely pathogenic according to the recommendation of ACMG/AMP guideline.